The following is an entry in ClinVar:

NM_003835.4(RGS9):c.1949C>T (p.Ser650Leu)

Gene: RGS9 (regulator of G protein signaling 9; plus strand). Cytogenetic location: 17q24.1.
Variant type: single nucleotide variant.
Coding change: c.1949C>T on transcript NM_003835.4 (MANE Select); coding-DNA position 1949, C replaced by T.
Protein change: p.Ser650Leu; replaces serine 650 with leucine.
Molecular consequence: missense variant.
Genome position (GRCh38, 1-based): chr17:65,227,331, C>T. VCF-style: chr17-65227331-C-T. GRCh37 (hg19) VCF-style: chr17-63223449-C-T.
Other names: c.1940C>T, p.Ser647Leu (NM_001081955.3); short protein forms S647L, S650L.
Identifiers: ClinVar variation 1461156 (VCV001461156.3), dbSNP rs777153725, ClinGen allele CA8718214.

ClinVar aggregate classification (germline): Uncertain significance (1 of 4 stars; one submission).

gnomAD v4.1: 19 of 1,614,000 alleles (0.0012%); highest among the groups gnomAD compares: South Asian, 0.0022%; no homozygotes.

Submission:

Labcorp Genetics (formerly Invitae), Labcorp
Classification: Uncertain significance. Last evaluated: 2021-10-05. Review status: criteria provided, single submitter. Criteria: Invitae Variant Classification Sherloc (09022015). Collection method: clinical testing. Allele origin: germline.
Comment: This sequence change replaces serine with leucine at codon 650 of the RGS9 protein (p.Ser650Leu). The serine residue is highly conserved and there is a large physicochemical difference between serine and leucine. This variant is present in population databases (rs777153725, ExAC 0.009%). This variant has not been reported in the literature in individuals affected with RGS9-related conditions. Algorithms developed to predict the effect of missense changes on protein structure and function are either unavailable or do not agree on the potential impact of this missense change (SIFT: "Deleterious"; PolyPhen-2: "Benign"; Align-GVGD: "Class C0"). In summary, the available evidence is currently insufficient to determine the role of this variant in disease. Therefore, it has been classified as a Variant of Uncertain Significance.